The following is an entry in ClinVar:

NM_001080.3(ALDH5A1):c.-9G>A

Genes: ALDH5A1 (aldehyde dehydrogenase 5 family member A1; plus strand), GPLD1 (glycosylphosphatidylinositol specific phospholipase D1; minus strand), LOC129995978 (ATAC-STARR-seq lymphoblastoid silent region 16989; plus strand). Cytogenetic location: 6p22.3.
Variant type: single nucleotide variant.
Coding change: c.-9G>A on transcript NM_001080.3 (MANE Select); 9 bases upstream of the start codon, G replaced by A.
Molecular consequence: 5 prime UTR variant.
Genome position (GRCh38, 1-based): chr6:24,494,988, G>A. VCF-style: chr6-24494988-G-A. GRCh37 (hg19) VCF-style: chr6-24495216-G-A.
Other names: c.-9G>A (NM_001368954.1, NM_170740.1).
Identifiers: ClinVar variation 3035102 (VCV003035102.2), dbSNP rs2532810543, ClinGen allele CA448781935.

ClinVar aggregate classification (germline): Likely benign (0 of 4 stars; one submission).

Conditions:
ALDH5A1-related disorder. Also called: ALDH5A1-related condition.

Allele frequency attached by ClinVar (database versions not stated): gnomAD exomes below 0.00001.
gnomAD v4.1: 3 of 1,313,540 alleles (0.00023%); highest among the groups gnomAD compares: South Asian, 0.0079%; no homozygotes.

Submission:

PreventionGenetics, part of Exact Sciences
Classification: Likely benign for ALDH5A1-related condition. Last evaluated: 2019-03-15. Review status: no assertion criteria provided. Collection method: clinical testing. Allele origin: germline.
Comment: This variant is classified as likely benign based on ACMG/AMP sequence variant interpretation guidelines (Richards et al. 2015 PMID: 25741868, with internal and published modifications).